The following is an entry in ClinVar:

NM_145886.4(PIDD1):c.1303-7dup

Gene: PIDD1 (p53-induced death domain protein 1; minus strand). Cytogenetic location: 11p15.5.
Variant type: Duplication.
Coding change: c.1303-7dup on transcript NM_145886.4 (MANE Select); 7 bases into the intron before coding-DNA position 1303, one base duplicated (A; older notation c.1303-7dupA).
Molecular consequence: intron variant.
Genome position (GRCh38, 1-based): chr11:801,631, T duplicated on the plus strand (A on the coding strand, the reverse complement: PIDD1 is on the minus strand). VCF-style (leftmost placement, unchanged base first): chr11-801630-A-AT. GRCh37 (hg19) VCF-style: chr11-801630-A-AT.
Other names: c.1303-7dup (NM_145887.4).
Identifiers: ClinVar variation 4535471 (VCV004535471.7).

ClinVar aggregate classification (germline): Benign/Likely benign. Review status: criteria provided, multiple submitters, no conflicts (2 of 4 stars). 2 submissions from 2 submitters: Benign (1); Likely benign (1). Last evaluated 2026-07-01.

Submissions (2):

CeGaT Center for Human Genetics Tuebingen
Classification: Benign. Last evaluated: 2026-07-01. Review status: criteria provided, single submitter. Criteria: CeGaT Center For Human Genetics Tuebingen Variant Classification Criteria Version 2. Collection method: clinical testing. Allele origin: germline. Affected: yes. Observed: 7 variant alleles.
Comment: PIDD1: BP4, BS1, BS2

Blueprint Genetics
Classification: Likely benign. Last evaluated: 2024-11-27. Review status: criteria provided, single submitter. Criteria: ACMG Guidelines, 2015. Collection method: clinical testing. Allele origin: germline.